The following is an entry in ClinVar:

NM_020831.6(MRTFA):c.1217C>T (p.Pro406Leu)

Gene: MRTFA (myocardin related transcription factor A; minus strand). Cytogenetic location: 22q13.1.
Variant type: single nucleotide variant.
Coding change: c.1217C>T on transcript NM_020831.6 (MANE Select); coding-DNA position 1217, C replaced by T.
Protein change: p.Pro406Leu; replaces proline 406 with leucine.
Molecular consequence: missense variant.
Genome position (GRCh38, 1-based): chr22:40,420,541, G>A on the plus strand (C>T on the coding strand, the complement: MRTFA is on the minus strand). VCF-style: chr22-40420541-G-A. GRCh37 (hg19) VCF-style: chr22-40816545-G-A.
Other names: c.917C>T, p.Pro306Leu (NM_001282660.2); c.1067C>T, p.Pro356Leu (NM_001282661.3); c.1217C>T, p.Pro406Leu (NM_001282662.3); c.1022C>T, p.Pro341Leu (NM_001318139.2); short protein forms P341L, P356L, P406L, P306L.
Identifiers: ClinVar variation 3692559 (VCV003692559.2).

ClinVar aggregate classification (germline): Uncertain significance (1 of 4 stars; one submission).

gnomAD v4.1: 1 of 1,613,656 alleles (0.000062%); highest among the groups gnomAD compares: South Asian, 0.0011%; no homozygotes.

Submission:

Labcorp Genetics (formerly Invitae), Labcorp
Classification: Uncertain significance. Last evaluated: 2024-06-25. Review status: criteria provided, single submitter. Criteria: Invitae Variant Classification Sherloc (09022015). Collection method: clinical testing. Allele origin: germline.
Comment: This sequence change replaces proline, which is neutral and non-polar, with leucine, which is neutral and non-polar, at codon 306 of the MKL1 protein (p.Pro306Leu). This variant is not present in population databases (gnomAD no frequency). This variant has not been reported in the literature in individuals affected with MKL1-related conditions. An algorithm developed to predict the effect of missense changes on protein structure and function (PolyPhen-2) suggests that this variant is likely to be tolerated. In summary, the available evidence is currently insufficient to determine the role of this variant in disease. Therefore, it has been classified as a Variant of Uncertain Significance.